The following is an entry in ClinVar:

ClinVar aggregate classification (germline): Uncertain significance (1 of 4 stars; one submission).

Conditions:
Familial cancer of breast. Also called: Hereditary breast cancer; hereditary breast carcinoma; BREAST CANCER, FAMILIAL. Identifiers: Orphanet 227535, MedGen C0346153, MONDO:0016419, OMIM 114480. Disease mechanism: loss of function.
Fanconi anemia complementation group J. Also called: BRIP1-Related Fanconi Anemia. Identifiers: Orphanet 84, MedGen C1836860, MONDO:0012187, OMIM 609054.

Submission:

Labcorp Genetics (formerly Invitae), Labcorp
Classification: Uncertain significance for Familial cancer of breast; Fanconi anemia complementation group J. Last evaluated: 2025-03-30. Review status: criteria provided, single submitter. Criteria: Invitae Variant Classification Sherloc (09022015). Collection method: clinical testing. Allele origin: germline.
Comment: This sequence change replaces threonine, which is neutral and polar, with serine, which is neutral and polar, at codon 1050 of the BRIP1 protein (p.Thr1050Ser). This variant is not present in population databases (gnomAD no frequency). This variant has not been reported in the literature in individuals affected with BRIP1-related conditions. Invitae Evidence Modeling of protein sequence and biophysical properties (such as structural, functional, and spatial information, amino acid conservation, physicochemical variation, residue mobility, and thermodynamic stability) indicates that this missense variant is not expected to disrupt BRIP1 protein function with a negative predictive value of 95%. In summary, the available evidence is currently insufficient to determine the role of this variant in disease. Therefore, it has been classified as a Variant of Uncertain Significance.

NM_032043.3(BRIP1):c.3148A>T (p.Thr1050Ser)

Gene: BRIP1 (BRCA1 interacting DNA helicase 1; minus strand). Cytogenetic location: 17q23.2.
Variant type: single nucleotide variant.
Coding change: c.3148A>T on transcript NM_032043.3 (MANE Select); coding-DNA position 3148, A replaced by T.
Protein change: p.Thr1050Ser; replaces threonine 1050 with serine.
Molecular consequence: missense variant.
Genome position (GRCh38, 1-based): chr17:61,683,898, T>A on the plus strand (A>T on the coding strand, the complement: BRIP1 is on the minus strand). VCF-style: chr17-61683898-T-A. GRCh37 (hg19) VCF-style: chr17-59761259-T-A.
Other names: short protein forms T1050S.
Identifiers: ClinVar variation 4794055 (VCV004794055.1).
Genomic context (GRCh38, chr17:61,683,898, plus strand): 5'-ATTGAGGGCATGATCCAAACGATGTGTTTACTGTCAGATTTGAGGATTCACATTTATCAG[T>A]GAAGGGCAAAACAGTTTTACTTTCCATCTTCTCTGTTTTGAAACGGGGAGGACTAGAGGC-3'
Protein context (NP_114432.2, residues 1040-1060): KMESKTVLPF[Thr1050Ser]DKCESSNLTV